The following is an entry in ClinVar:

ClinVar aggregate classification (germline): Uncertain significance (1 of 4 stars; one submission).

Conditions:
Hypogonadotropic hypogonadism 2 with or without anosmia (HH2). Also called: HYPOGONADOTROPIC HYPOGONADISM 2 WITH OR WITHOUT ANOSMIA, SUSCEPTIBILITY TO; HYPOGONADOTROPIC HYPOGONADISM 2 WITHOUT ANOSMIA, SUSCEPTIBILITY TO; FGFR1-Related GnRH Deficiency (Kallmann Syndrome 2); HYPOGONADOTROPIC HYPOGONADISM 2 WITHOUT ANOSMIA. Identifiers: Orphanet 478, MedGen C1563720, MONDO:0007844, OMIM 147950. Disease mechanism: loss of function.
Pfeiffer syndrome (ACS5). Also called: ACS V. Identifiers: Orphanet 710, MedGen C0220658, MONDO:0007043, OMIM 101600.

Submission:

Labcorp Genetics (formerly Invitae), Labcorp
Classification: Uncertain significance for Pfeiffer syndrome; Hypogonadotropic hypogonadism 2 with or without anosmia. Last evaluated: 2023-05-22. Review status: criteria provided, single submitter. Criteria: Invitae Variant Classification Sherloc (09022015). Collection method: clinical testing. Allele origin: germline.
Comment: Algorithms developed to predict the effect of sequence changes on RNA splicing suggest that this variant may disrupt the consensus splice site. In summary, the available evidence is currently insufficient to determine the role of this variant in disease. Therefore, it has been classified as a Variant of Uncertain Significance. ClinVar contains an entry for this variant (Variation ID: 2143868). This variant has not been reported in the literature in individuals affected with FGFR1-related conditions. This variant is not present in population databases (gnomAD no frequency). This sequence change falls in intron 13 of the FGFR1 gene. It does not directly change the encoded amino acid sequence of the FGFR1 protein.

NM_023110.3(FGFR1):c.1854+17C>G

Gene: FGFR1 (fibroblast growth factor receptor 1; minus strand). Cytogenetic location: 8p11.23.
Variant type: single nucleotide variant.
Coding change: c.1854+17C>G on transcript NM_023110.3 (MANE Select); 17 bases into the intron after coding-DNA position 1854, C replaced by G.
Molecular consequence: intron variant.
Genome position (GRCh38, 1-based): chr8:38,415,853, G>C on the plus strand (C>G on the coding strand, the complement: FGFR1 is on the minus strand). VCF-style: chr8-38415853-G-C. GRCh37 (hg19) VCF-style: chr8-38273371-G-C.
Other names: c.1575+17C>G (NM_001354368.2); c.1581+17C>G (NM_001354370.2, NM_023106.3); c.1587+17C>G (NM_023105.3, NM_001174066.2); c.1848+17C>G (NM_001354367.2, NM_015850.4, NM_001174063.2 and 1 more transcripts); c.1824+17C>G (NM_001174064.2); c.1842+17C>G (NM_001354369.2); c.1947+17C>G (NM_001174067.2).
Identifiers: ClinVar variation 2143868 (VCV002143868.4), dbSNP rs745533062, ClinGen allele CA1777535482.